The following is an entry in ClinVar:

NM_014319.5(LEMD3):c.653A>T (p.Glu218Val)

Gene: LEMD3 (LEM domain containing 3; plus strand). Cytogenetic location: 12q14.3.
Variant type: single nucleotide variant.
Coding change: c.653A>T on transcript NM_014319.5 (MANE Select); coding-DNA position 653, A replaced by T.
Protein change: p.Glu218Val; replaces glutamic acid 218 with valine.
Molecular consequence: missense variant.
Genome position (GRCh38, 1-based): chr12:65,170,249, A>T. VCF-style: chr12-65170249-A-T. GRCh37 (hg19) VCF-style: chr12-65564029-A-T.
Other names: c.653A>T, p.Glu218Val (NM_001167614.2); short protein forms E218V.
Identifiers: ClinVar variation 4723102 (VCV004723102.1).
Genomic context (GRCh38, chr12:65,170,249, plus strand): 5'-GGGCCAGGAGGCCGGCGGGCCCCGAGCTGCAGACCCCGCCGGGGAAAGATGGAGCAGTGG[A>T]GGACGAGGAAGGGGAGGGAGAGGACGGTGAGGAGAGGGACCCGGAGACCGAGGAGCCGCT-3'
Protein context (NP_055134.2, residues 208-228): QTPPGKDGAV[Glu218Val]DEEGEGEDGE

ClinVar aggregate classification (germline): Uncertain significance (1 of 4 stars; one submission).

Submission:

Labcorp Genetics (formerly Invitae), Labcorp
Classification: Uncertain significance. Last evaluated: 2025-07-13. Review status: criteria provided, single submitter. Criteria: Invitae Variant Classification Sherloc (09022015). Collection method: clinical testing. Allele origin: germline.
Comment: This sequence change replaces glutamic acid, which is acidic and polar, with valine, which is neutral and non-polar, at codon 218 of the LEMD3 protein (p.Glu218Val). This variant is not present in population databases (gnomAD no frequency). This variant has not been reported in the literature in individuals affected with LEMD3-related conditions. An algorithm developed to predict the effect of missense changes on protein structure and function (PolyPhen-2) suggests that this variant is likely to be tolerated. In summary, the available evidence is currently insufficient to determine the role of this variant in disease. Therefore, it has been classified as a Variant of Uncertain Significance.